The following is an entry in ClinVar:

NM_003672.4(CDC14A):c.457-6T>C

Gene: CDC14A (cell division cycle 14A; plus strand). Cytogenetic location: 1p21.2.
Variant type: single nucleotide variant.
Coding change: c.457-6T>C on transcript NM_003672.4 (MANE Select); 6 bases into the intron before coding-DNA position 457, T replaced by C.
Molecular consequence: intron variant.
Genome position (GRCh38, 1-based): chr1:100,442,928, T>C. VCF-style: chr1-100442928-T-C. GRCh37 (hg19) VCF-style: chr1-100908484-T-C.
Other names: c.283-6T>C (NM_001319211.2); c.457-6T>C (NM_001319210.2, NM_033312.3, NM_033313.3); c.-335-6T>C (NM_001319212.2).
Identifiers: ClinVar variation 667084 (VCV000667084.19), dbSNP rs202211124, ClinGen allele CA970585.
Genomic context (GRCh38, chr1:100,442,928, plus strand): 5'-TTCCAGAAATGATGAGTAGAGTTTATCAATTTAGCATGGAAAAACTAATTCAAATTCTGC[T>C]TTTAGGGATTACAACATGGATTTTTTGACTTTGAGACATTTGATGTGGATGAATATGAAC-3'

ClinVar aggregate classification (germline): Likely benign. Review status: criteria provided, multiple submitters, no conflicts (2 of 4 stars). 6 submissions from 6 submitters: Likely benign (5). 1 of the submissions does not count toward it. Last evaluated 2026-01-12.

Conditions:
Autosomal recessive nonsyndromic hearing loss 32. Also called: Deafness, autosomal recessive 32; HEARING IMPAIRMENT INFERTILE MALE SYNDROME; Deafness, autosomal recessive 105. Identifiers: Orphanet 90636, MedGen C1837608, MONDO:0012091, OMIM 608653.
CDC14A-related disorder. Also called: CDC14A-related condition.

Allele frequency attached by ClinVar (database versions not stated): 1000 Genomes Project 30x 0.00016; 1000 Genomes Project 0.00020; TOPMed 0.00080; gnomAD exomes 0.00088 and 0.00108; gnomAD 0.00092 and 0.00093; ExAC 0.00101; ESP Exome Variant Server 0.00123.
gnomAD v4.1: 1,657 of 1,585,036 alleles (0.1%); highest among the groups gnomAD compares: Non-Finnish European, 0.13%; 3 homozygotes.

Submissions (6):

Labcorp Genetics (formerly Invitae), Labcorp
Classification: Likely benign. Last evaluated: 2026-01-12. Review status: criteria provided, single submitter. Criteria: Invitae Variant Classification Sherloc (09022015). Collection method: clinical testing. Allele origin: germline.

Fulgent Genetics
Classification: Likely benign for Autosomal recessive nonsyndromic hearing loss 32. Last evaluated: 2022-05-06. Review status: criteria provided, single submitter. Criteria: ACMG Guidelines, 2015. Collection method: clinical testing. Allele origin: unknown.

GeneDx
Classification: Likely benign. Last evaluated: 2020-06-09. Review status: criteria provided, single submitter. Criteria: GeneDx Variant Classification Process June 2021. Collection method: clinical testing. Allele origin: germline. Affected: yes.

Laboratory for Molecular Medicine, Mass General Brigham Personalized Medicine
Classification: Likely benign. Last evaluated: 2017-08-23. Review status: criteria provided, single submitter. Criteria: LMM Criteria. Collection method: clinical testing. Allele origin: germline. Observed: 1 variant allele.
Comment: c.457-6T>C in intron 6 of CDC14A: This variant is not expected to have clinical significance because it does not alter an amino acid residue and is not located within the splice consensus sequence. It has been identified in 0.17% (114/66374 ) of European chromosomes by the Exome Aggregation Consortium (ExAC .; dbSNP rs202211124).

Breakthrough Genomics
Classification: Likely benign. Review status: criteria provided, single submitter. Criteria: ACMG Guidelines, 2015. Collection method: not provided. Allele origin: germline. Inheritance: Autosomal recessive inheritance. Affected: yes.

PreventionGenetics, part of Exact Sciences
Classification: Likely benign for CDC14A-related condition. Last evaluated: 2019-10-18. Review status: no assertion criteria provided. Collection method: clinical testing. Allele origin: germline. Not counted in ClinVar's aggregate classification.
Comment: This variant is classified as likely benign based on ACMG/AMP sequence variant interpretation guidelines (Richards et al. 2015 PMID: 25741868, with internal and published modifications).